The following is an entry in ClinVar:

NM_002485.5(NBN):c.2141del (p.Arg714fs)

Gene: NBN (nibrin; minus strand). Cytogenetic location: 8q21.3.
Variant type: Deletion.
Coding change: c.2141del on transcript NM_002485.5 (MANE Select); coding-DNA position 2141, one base deleted (G; older notation c.2141delG).
Protein change: p.Arg714fs; shifts the reading frame from arginine 714.
Molecular consequence: frameshift variant.
Genome position (GRCh38, 1-based): chr8:89,943,296, C deleted on the plus strand (G on the coding strand, the reverse complement: NBN is on the minus strand). VCF-style (leftmost placement, unchanged base first): chr8-89943295-TC-T. GRCh37 (hg19) VCF-style: chr8-90955523-TC-T.
Other names: c.1895del, p.Arg632fs (NM_001024688.3); short protein forms R632fs, R714fs.
Identifiers: ClinVar variation 1786597 (VCV001786597.2), dbSNP rs2488191186, ClinGen allele CA2580079014.

ClinVar aggregate classification (germline): Pathogenic (1 of 4 stars; one submission).

Conditions:
Hereditary cancer-predisposing syndrome. Also called: Neoplastic Syndromes, Hereditary; Tumor predisposition; Hereditary Cancer Syndrome; Hereditary neoplastic syndrome. Identifiers: Orphanet 140162, MedGen C0027672, MeSH D009386, MONDO:0015356.

Submission:

Ambry Genetics
Classification: Pathogenic for Hereditary cancer-predisposing syndrome. Last evaluated: 2021-08-16. Review status: criteria provided, single submitter. Criteria: Ambry Variant Classification Scheme 2023. Collection method: clinical testing. Allele origin: germline.
Comment: The c.2141delG variant, located in coding exon 14 of the NBN gene, results from a deletion of one nucleotide at nucleotide position 2141, causing a translational frameshift with a predicted alternate stop codon (p.R714Qfs*6). This alteration is expected to result in loss of function by premature protein truncation or nonsense-mediated mRNA decay. As such, this alteration is interpreted as a disease-causing mutation.